The following is an entry in ClinVar:

ClinVar aggregate classification (germline): Likely pathogenic (1 of 4 stars; one submission).

gnomAD v4.1: 5 of 1,614,056 alleles (0.00031%); highest among the groups gnomAD compares: Middle Eastern, 0.016%; no homozygotes.

Submission:

Mayo Clinic Laboratories, Mayo Clinic
Classification: Likely pathogenic. Last evaluated: 2025-03-28. Review status: criteria provided, single submitter. Criteria: ACMG Guidelines, 2015. Collection method: clinical testing. Allele origin: germline. Observed: 1 variant allele.
Comment: PP3_moderate, PM2_supporting, PM5, PS1_moderate

NM_001098671.2(RASGRP2):c.742G>A (p.Gly248Arg)

Gene: RASGRP2 (RAS guanyl releasing protein 2; minus strand). Cytogenetic location: 11q13.1.
Variant type: single nucleotide variant.
Coding change: c.742G>A on transcript NM_001098671.2 (MANE Select); coding-DNA position 742, G replaced by A.
Protein change: p.Gly248Arg; replaces glycine 248 with arginine.
Molecular consequence: missense variant.
Genome position (GRCh38, 1-based): chr11:64,739,431, C>T on the plus strand (G>A on the coding strand, the complement: RASGRP2 is on the minus strand). VCF-style: chr11-64739431-C-T. GRCh37 (hg19) VCF-style: chr11-64506903-C-T.
Other names: p.Gly248Arg; c.742G>A, p.Gly248Arg (NM_001098670.2, NM_001440690.1, NM_001440691.1 and 9 more transcripts); c.307G>A, p.Gly103Arg (NM_001318398.2); c.739G>A, p.Gly247Arg (NM_001440700.1, NM_001440701.1, NM_001440702.1); c.829G>A, p.Gly277Arg (NM_001440703.1, NM_001440704.1); c.826G>A, p.Gly276Arg (NM_001440705.1); short protein forms G103R, G276R, G277R, G248R, G247R.
Identifiers: ClinVar variation 4541632 (VCV004541632.1).